The following is an entry in ClinVar:

ClinVar aggregate classification (germline): Pathogenic (1 of 4 stars; one submission).

Submission:

GeneDx
Classification: Pathogenic. Last evaluated: 2024-04-25. Review status: criteria provided, single submitter. Criteria: GeneDx Variant Classification Process June 2021. Collection method: clinical testing. Allele origin: germline. Affected: yes.
Comment: Not observed at significant frequency in large population cohorts (gnomAD); In silico analysis supports that this missense variant has a deleterious effect on protein structure/function; This variant is associated with the following publications: (PMID: 35982159, 33057194)

NM_003108.4(SOX11):c.296T>C (p.Ile99Thr)

Gene: SOX11 (SRY-box transcription factor 11; plus strand). Cytogenetic location: 2p25.2.
Variant type: single nucleotide variant.
Coding change: c.296T>C on transcript NM_003108.4 (MANE Select); coding-DNA position 296, T replaced by C.
Protein change: p.Ile99Thr; replaces isoleucine 99 with threonine.
Molecular consequence: missense variant.
Genome position (GRCh38, 1-based): chr2:5,693,017, T>C. VCF-style: chr2-5693017-T-C. GRCh37 (hg19) VCF-style: chr2-5833149-T-C.
Other names: short protein forms I99T.
Identifiers: ClinVar variation 3368249 (VCV003368249.1).